The following is an entry in ClinVar:

ClinVar aggregate classification (germline): Uncertain significance (1 of 4 stars; one submission).

Conditions:
Marfan syndrome (MFS). Also called: MARFAN SYNDROME, TYPE I; Marfan syndrome type 1; Marfan's syndrome; Marfan syndrome, classic; FBN1-Related Marfan Syndrome. Identifiers: Orphanet 284963, Orphanet 558, MedGen C0024796, MONDO:0007947, OMIM 154700.
Familial thoracic aortic aneurysm and aortic dissection (TAAD). Also called: Thoracic aortic aneurysms and dissections. Identifiers: Orphanet 91387, MedGen C4707243, MONDO:0019625.

gnomAD v4.1: 1 of 1,613,774 alleles (0.000062%); highest among the groups gnomAD compares: Admixed American, 0.0017%; no homozygotes.

Submission:

Labcorp Genetics (formerly Invitae), Labcorp
Classification: Uncertain significance for Marfan syndrome; Familial thoracic aortic aneurysm and aortic dissection. Last evaluated: 2026-01-26. Review status: criteria provided, single submitter. Criteria: Invitae Variant Classification Sherloc (09022015). Collection method: clinical testing. Allele origin: germline.
Comment: This sequence change replaces threonine, which is neutral and polar, with isoleucine, which is neutral and non-polar, at codon 14 of the FBN1 protein (p.Thr14Ile). This variant is not present in population databases (gnomAD no frequency). This variant has not been reported in the literature in individuals affected with FBN1-related conditions. ClinVar contains an entry for this variant (Variation ID: 3762313). Invitae Evidence Modeling of protein sequence and biophysical properties (such as structural, functional, and spatial information, amino acid conservation, physicochemical variation, residue mobility, and thermodynamic stability) indicates that this missense variant is not expected to disrupt FBN1 protein function with a negative predictive value of 95%. In summary, the available evidence is currently insufficient to determine the role of this variant in disease. Therefore, it has been classified as a Variant of Uncertain Significance.

NM_000138.5(FBN1):c.41C>T (p.Thr14Ile)

Genes: FBN1 (fibrillin 1; minus strand), LOC130057019 (ATAC-STARR-seq lymphoblastoid silent region 6417; plus strand). Cytogenetic location: 15q21.1.
Variant type: single nucleotide variant.
Coding change: c.41C>T on transcript NM_000138.5 (MANE Select); coding-DNA position 41, C replaced by T.
Protein change: p.Thr14Ile; replaces threonine 14 with isoleucine.
Molecular consequence: missense variant.
Genome position (GRCh38, 1-based): chr15:48,644,729, G>A on the plus strand (C>T on the coding strand, the complement: FBN1 is on the minus strand). VCF-style: chr15-48644729-G-A. GRCh37 (hg19) VCF-style: chr15-48936926-G-A.
Other names: c.41C>T, p.Thr14Ile (NM_001406716.1, NM_001406717.1, NM_001406718.1); short protein forms T14I.
Identifiers: ClinVar variation 3762313 (VCV003762313.2).
Genomic context (GRCh38, chr15:48,644,729, plus strand): 5'-ACGTTCCCAGCCTCCAAATTGGCGTCCGCCCCATGGCTCGTGTAGGACGCTAAAAGCACG[G>A]TAAATCCCAGGGCGATCTCCAGCAGACGCCCTCGACGCATGATGCCGAGCCGCCACCGGC-3'
Protein context (NP_000129.3, residues 4-24): GRLLEIALGF[Thr14Ile]VLLASYTSHG